The following is an entry in ClinVar:

NM_004924.6(ACTN4):c.718A>G (p.Met240Val)

Gene: ACTN4 (actinin alpha 4; plus strand). Cytogenetic location: 19q13.2.
Variant type: single nucleotide variant.
Coding change: c.718A>G on transcript NM_004924.6 (MANE Select); coding-DNA position 718, A replaced by G.
Protein change: p.Met240Val; replaces methionine 240 with valine.
Molecular consequence: missense variant.
Genome position (GRCh38, 1-based): chr19:38,709,461, A>G. VCF-style: chr19-38709461-A-G. GRCh37 (hg19) VCF-style: chr19-39200101-A-G.
Other names: c.718A>G, p.Met240Val (NM_001322033.2, NM_001411143.1); short protein forms M240V.
Identifiers: ClinVar variation 3236342 (VCV003236342.1), dbSNP rs2515217834, ClinGen allele CA405696078.
Genomic context (GRCh38, chr19:38,709,461, plus strand): 5'-CCTGTCACCAACCTGAACAATGCCTTCGAAGTGGCTGAGAAATACCTCGACATCCCCAAG[A>G]TGCTGGATGCAGAGGGTAAGTCATCTCTTCTGTTCAGCCACCACTGTGCTTCCTGATGGC-3'
Protein context (NP_004915.2, residues 230-250): VAEKYLDIPK[Met240Val]LDAEDIVNTA

ClinVar aggregate classification (germline): Likely pathogenic (1 of 4 stars; one submission).

Conditions:
Focal segmental glomerulosclerosis 1 (FSGS1). Identifiers: Orphanet 656, MedGen C4551527, MONDO:0011303, OMIM 603278.

Submission:

MVZ Medizinische Genetik Mainz
Classification: Likely pathogenic for Focal segmental glomerulosclerosis 1. Last evaluated: 2024-02-23. Review status: criteria provided, single submitter. Criteria: UK Practice Guidelines For Variant Classification V4 01 2020. Collection method: clinical testing. Allele origin: germline. Inheritance: Autosomal dominant inheritance. Affected: yes. Observed: 1 variant allele.
Comment: ACMG Criteria: PM1,PP3_MOD,PM2_SUP,PP2